The following is an entry in ClinVar:

NM_000553.6(WRN):c.3071C>T (p.Thr1024Ile)

Gene: WRN (WRN RecQ like helicase; plus strand). Cytogenetic location: 8p12.
Variant type: single nucleotide variant.
Coding change: c.3071C>T on transcript NM_000553.6 (MANE Select); coding-DNA position 3071, C replaced by T.
Protein change: p.Thr1024Ile; replaces threonine 1024 with isoleucine.
Molecular consequence: missense variant.
Genome position (GRCh38, 1-based): chr8:31,141,533, C>T. VCF-style: chr8-31141533-C-T. GRCh37 (hg19) VCF-style: chr8-30999049-C-T.
Other names: short protein forms T1024I.
Identifiers: ClinVar variation 1945010 (VCV001945010.5), dbSNP rs2536030232, ClinGen allele CA370922199.

ClinVar aggregate classification (germline): Uncertain significance (1 of 4 stars; one submission).

Conditions:
Werner syndrome (WRN). Identifiers: Orphanet 902, MedGen C0043119, MONDO:0010196, OMIM 277700.

Allele frequency attached by ClinVar (database versions not stated): gnomAD exomes below 0.00001.
gnomAD v4.1: 4 of 1,614,134 alleles (0.00025%); highest among the groups gnomAD compares: South Asian, 0.0022%; no homozygotes.

Submission:

Labcorp Genetics (formerly Invitae), Labcorp
Classification: Uncertain significance for Werner syndrome. Last evaluated: 2021-12-13. Review status: criteria provided, single submitter. Criteria: Invitae Variant Classification Sherloc (09022015). Collection method: clinical testing. Allele origin: germline.
Comment: This sequence change replaces threonine, which is neutral and polar, with isoleucine, which is neutral and non-polar, at codon 1024 of the WRN protein (p.Thr1024Ile). This variant is not present in population databases (gnomAD no frequency). This variant has not been reported in the literature in individuals affected with WRN-related conditions. Algorithms developed to predict the effect of missense changes on protein structure and function output the following: SIFT: "Not Available"; PolyPhen-2: "Benign"; Align-GVGD: "Not Available". The isoleucine amino acid residue is found in multiple mammalian species, which suggests that this missense change does not adversely affect protein function. In summary, the available evidence is currently insufficient to determine the role of this variant in disease. Therefore, it has been classified as a Variant of Uncertain Significance.